The following is an entry in ClinVar:

NM_001256545.2(MEGF10):c.2464G>A (p.Gly822Arg)

Gene: MEGF10 (multiple EGF like domains 10; plus strand). Cytogenetic location: 5q23.2.
Variant type: single nucleotide variant.
Coding change: c.2464G>A on transcript NM_001256545.2 (MANE Select); coding-DNA position 2464, G replaced by A.
Protein change: p.Gly822Arg; replaces glycine 822 with arginine.
Molecular consequence: missense variant.
Genome position (GRCh38, 1-based): chr5:127,443,099, G>A. VCF-style: chr5-127443099-G-A. GRCh37 (hg19) VCF-style: chr5-126778791-G-A.
Other names: c.2464G>A, p.Gly822Arg (NM_032446.3); short protein forms G822R.
Identifiers: ClinVar variation 656102 (VCV000656102.6), dbSNP rs1280125525, ClinGen allele CA360734442.

ClinVar aggregate classification (germline): Uncertain significance (1 of 4 stars; one submission).

Conditions:
MEGF10-related myopathy (CMYO10A). Also called: Congenital myopathy 10A, severe variant. Identifiers: Orphanet 439212, MedGen C3280679, MONDO:0013731, OMIM 614399.

Allele frequency attached by ClinVar (database versions not stated): gnomAD exomes below 0.00001 and 0.00001.
gnomAD v4.1: 8 of 1,613,608 alleles (0.0005%); highest among the groups gnomAD compares: Non-Finnish European, 0.00068%; no homozygotes.

Submission:

Labcorp Genetics (formerly Invitae), Labcorp
Classification: Uncertain significance for MEGF10-related myopathy. Last evaluated: 2022-03-19. Review status: criteria provided, single submitter. Criteria: Invitae Variant Classification Sherloc (09022015). Collection method: clinical testing. Allele origin: germline.
Comment: This sequence change replaces glycine, which is neutral and non-polar, with arginine, which is basic and polar, at codon 822 of the MEGF10 protein (p.Gly822Arg). This variant is present in population databases (no rsID available, gnomAD 0.0009%). This variant has not been reported in the literature in individuals affected with MEGF10-related conditions. ClinVar contains an entry for this variant (Variation ID: 656102). Algorithms developed to predict the effect of missense changes on protein structure and function (SIFT, PolyPhen-2, Align-GVGD) all suggest that this variant is likely to be disruptive. In summary, the available evidence is currently insufficient to determine the role of this variant in disease. Therefore, it has been classified as a Variant of Uncertain Significance.